The following is an entry in ClinVar:

NM_001394062.1(MACF1):c.4782_4795delinsCG (p.Leu1595_Ile1599delinsVal)

Gene: MACF1 (microtubule actin crosslinking factor 1; plus strand). Cytogenetic location: 1p34.3.
Variant type: Indel.
Coding change: c.4782_4795delinsCG on transcript NM_001394062.1 (MANE Select); coding-DNA positions 4782 to 4795, TTTGGAGGAGGGCA replaced by CG.
Protein change: p.Leu1595_Ile1599delinsVal.
Molecular consequence: inframe indel. On other transcripts: intron variant (1).
Genome position (GRCh38, 1-based): chr1:39,331,370-39,331,383, TTTGGAGGAGGGCA replaced by CG. VCF-style: chr1-39331370-TTTGGAGGAGGGCA-CG. GRCh37 (hg19) VCF-style: chr1-39797042-TTTGGAGGAGGGCA-CG.
Other names: c.4629+4017_4629+4030delinsCG (NM_012090.5).
Identifiers: ClinVar variation 5040753 (VCV005040753.1).

ClinVar aggregate classification (germline): Uncertain significance (1 of 4 stars; one submission).

Submission:

CeGaT Center for Human Genetics Tuebingen
Classification: Uncertain significance. Last evaluated: 2026-07-01. Review status: criteria provided, single submitter. Criteria: CeGaT Center For Human Genetics Tuebingen Variant Classification Criteria Version 2. Collection method: clinical testing. Allele origin: germline. Affected: yes. Observed: 1 variant allele.
Comment: MACF1: PM2, PM4:Supporting